The following is an entry in ClinVar:

ClinVar aggregate classification (germline): Likely pathogenic (1 of 4 stars; one submission).

Conditions:
Mucopolysaccharidosis, MPS-II (MPS2). Also called: Hunter Syndrome; IDURONATE 2-SULFATASE DEFICIENCY; Mucopolysaccharidosis Type II; Mucopolysaccharidosis type 2; Attenuated MPS (subtype; formerly known as mild MPS II); Severe MPS II. Identifiers: Orphanet 580, Orphanet 79388, MedGen C0026705, MONDO:0010674, OMIM 309900.

Submission:

Laboratory of Diagnosis and Therapy of Lysosomal Disorders, University of Padova
Classification: Likely pathogenic for Mucopolysaccharidosis, MPS-II. Last evaluated: 2024-06-07. Review status: criteria provided, single submitter. Criteria: ACMG Guidelines, 2015. Collection method: literature only. Allele origin: germline. Affected: yes. Observed: 3 variant alleles.
Comment: Null variant (PVS1_Strong), Absent from controls (or at low frequency) in gnomAD database (PM2_Moderate), Patient’s phenotype or family history highly specific for the disease (PP4_Moderate)

Classification method: ACMG Guidelines [PMID:25741868] with modifications

Literature cited by the submitters: PubMed 24125893; PubMed 36945845.

NM_000202.8(IDS):c.709-2A>T

Genes: IDS (iduronate 2-sulfatase; minus strand), LOC106050102 (IDS recombination region; plus strand). Cytogenetic location: Xq28.
Variant type: single nucleotide variant.
Coding change: c.709-2A>T on transcript NM_000202.8 (MANE Select); the canonical splice acceptor site of the intron before coding-DNA position 709, A replaced by T.
Molecular consequence: splice acceptor variant.
Genome position (GRCh38, 1-based): chrX:149,496,518, T>A on the plus strand (A>T on the coding strand, the complement: IDS is on the minus strand). VCF-style: chrX-149496518-T-A. GRCh37 (hg19) VCF-style: chrX-148578049-T-A.
Other names: c.439-2A>T (NM_001166550.4); c.709-2A>T (NM_006123.5).
Identifiers: ClinVar variation 3255818 (VCV003255818.2).
Genomic context (GRCh38, chrX:149,496,518, plus strand): 5'-GGGACCTCGGGATCGGGGGCCAGGGTGATGTTCTCCAAGGGATACAACTTCTGAAATTCC[T>A]TGGGGAAAAACACAAAGCCACAAAGTTGTCACTCTTTTAGCAAAAGCACAAGCTTGTGGC-3'